The following is an entry in ClinVar:

ClinVar aggregate classification (germline): Likely benign (0 of 4 stars; one submission).

Conditions:
FANCI-related disorder. Also called: FANCI-related condition.

Submission:

PreventionGenetics, part of Exact Sciences
Classification: Likely benign for FANCI-related condition. Last evaluated: 2019-08-28. Review status: no assertion criteria provided. Collection method: clinical testing. Allele origin: germline.
Comment: This variant is classified as likely benign based on ACMG/AMP sequence variant interpretation guidelines (Richards et al. 2015 PMID: 25741868, with internal and published modifications).

NM_001113378.2(FANCI):c.3006+6A>C

Gene: FANCI (FA complementation group I; plus strand). Cytogenetic location: 15q26.1.
Variant type: single nucleotide variant.
Coding change: c.3006+6A>C on transcript NM_001113378.2 (MANE Select); 6 bases into the intron after coding-DNA position 3006, A replaced by C.
Molecular consequence: intron variant.
Genome position (GRCh38, 1-based): chr15:89,301,448, A>C. VCF-style: chr15-89301448-A-C. GRCh37 (hg19) VCF-style: chr15-89844679-A-C.
Other names: c.2826+6A>C (NM_018193.3); c.3006+6A>C (NM_001376911.1); c.2727+6A>C (NM_001376910.1).
Identifiers: ClinVar variation 3053608 (VCV003053608.2), dbSNP rs2507938384, ClinGen allele CA972577354.
Genomic context (GRCh38, chr15:89,301,448, plus strand): 5'-GCTAGTCACGGTTCTTACCAGTTTGTCCAAGTTACTGGAGCCCTCCTCTCCTCAGGTACT[A>C]GTACCGCTAACTTAATCCCATTTAGCATTCCTCAGAAGGCAAGGATTATTGCATCATAAA-3'